The following is an entry in ClinVar:

NM_001042492.3(NF1):c.8130del (p.Leu2711fs)

Gene: NF1 (neurofibromin 1; plus strand). Cytogenetic location: 17q11.2.
Variant type: Deletion.
Coding change: c.8130del on transcript NM_001042492.3 (MANE Select); coding-DNA position 8130, one base deleted (C; older notation c.8130delC).
Protein change: p.Leu2711fs; shifts the reading frame from leucine 2711.
Molecular consequence: frameshift variant.
Genome position (GRCh38, 1-based): chr17:31,358,985, C deleted. VCF-style (leftmost placement, unchanged base first): chr17-31358984-GC-G. GRCh37 (hg19) VCF-style: chr17-29686002-GC-G.
Other names: c.8067del, p.Leu2690fs (NM_000267.4); short protein forms L2690fs, L2711fs.
Identifiers: ClinVar variation 4713865 (VCV004713865.1).

ClinVar aggregate classification (germline): Pathogenic (1 of 4 stars; one submission).

Conditions:
Neurofibromatosis, type 1 (NF1). Also called: VON RECKLINGHAUSEN DISEASE; Peripheral type neurofibromatosis; NEUROFIBROMATOSIS, TYPE I, SOMATIC; Neurofibromatosis, type I. Identifiers: Orphanet 636, MedGen C0027831, MONDO:0018975, OMIM 162200. Disease mechanism: loss of function.

Submission:

Labcorp Genetics (formerly Invitae), Labcorp
Classification: Pathogenic for Neurofibromatosis, type 1. Last evaluated: 2025-02-26. Review status: criteria provided, single submitter. Criteria: Invitae Variant Classification Sherloc (09022015). Collection method: clinical testing. Allele origin: germline.
Comment: This sequence change creates a premature translational stop signal (p.Leu2690Cysfs*28) in the NF1 gene. It is expected to result in an absent or disrupted protein product. Loss-of-function variants in NF1 are known to be pathogenic (PMID: 10712197, 23913538). This variant is not present in population databases (gnomAD no frequency). This variant has not been reported in the literature in individuals affected with NF1-related conditions. For these reasons, this variant has been classified as Pathogenic.

Literature cited by the submitters: PubMed 10712197; PubMed 23913538.